The following is an entry in ClinVar:

ClinVar aggregate classification (germline): Uncertain significance (0 of 4 stars; one submission).

Conditions:
Familial cancer of breast. Also called: BREAST CANCER, FAMILIAL; Hereditary breast cancer; hereditary breast carcinoma. Identifiers: Orphanet 227535, MedGen C0346153, MONDO:0016419, OMIM 114480. Disease mechanism: loss of function.

Submissions (2):

Brotman Baty Institute, University of Washington
No classification provided (evidence only). Condition: Breast-ovarian cancer, familial 1. Review status: no classification provided. Collection method: in vitro. Allele origin: not applicable. Functional consequence: functionally_abnormal. Not counted in ClinVar's aggregate classification.
ClinVar note: "not provided" was previously submitted as the classification for the variant. However, the classification appeared to be based only on an observation of functional data so it was converted to no classification on 2025-07-30.

Center for Precision Medicine, Meizhou People's Hospital
Classification: Uncertain significance for Familial cancer of breast. Review status: no assertion criteria provided. Collection method: literature only. Allele origin: germline. Affected: yes.

Literature cited by the submitters: PubMed 30257991 (cited by Center for Precision Medicine, Meizhou People's Hospital).

NM_007294.4(BRCA1):c.4994T>A (p.Val1665Glu)

Gene: BRCA1 (BRCA1 DNA repair associated; minus strand). Cytogenetic location: 17q21.31.
Variant type: single nucleotide variant.
Coding change: c.4994T>A on transcript NM_007294.4 (MANE Select); coding-DNA position 4994, T replaced by A.
Protein change: p.Val1665Glu; replaces valine 1665 with glutamic acid.
Molecular consequence: missense variant. On other transcripts: non-coding transcript variant (1).
Genome position (GRCh38, 1-based): chr17:43,067,688, A>T on the plus strand (T>A on the coding strand, the complement: BRCA1 is on the minus strand). VCF-style: chr17-43067688-A-T. GRCh37 (hg19) VCF-style: chr17-41219705-A-T.
Other names: c.1556T>A, p.Val519Glu (NM_001408445.1, NM_001408446.1, NM_001408447.1 and 2 more transcripts); c.1550T>A, p.Val517Glu (NM_001408451.1); c.1544T>A, p.Val515Glu (NM_001408452.1, NM_001408453.1, NM_001408454.1 and 3 more transcripts); c.1541T>A, p.Val514Glu (NM_001408465.1, NM_001408466.1, NM_001408467.1 and 7 more transcripts); c.1538T>A, p.Val513Glu (NM_001408468.1, NM_001408469.1, NM_001408470.1); c.1682T>A, p.Val561Glu (NM_001408472.1, NM_007298.4, NM_007299.4 and 13 more transcripts); c.1679T>A, p.Val560Glu (NM_001408473.1, NM_001408392.1, NM_001408396.1 and 8 more transcripts); c.1484T>A, p.Val495Glu (NM_001408474.1); and 70 more; short protein forms V561E, V1618E, V1665E, V1686E, V1496E, V1538E, V1598E, V1623E.
Identifiers: ClinVar variation 868905 (VCV000868905.4), dbSNP rs1476854015, ClinGen allele CA10591531.